The following is an entry in ClinVar:

NM_017654.4(SAMD9):c.1838A>G (p.Glu613Gly)

Gene: SAMD9 (sterile alpha motif domain containing 9; minus strand). Cytogenetic location: 7q21.2.
Variant type: single nucleotide variant.
Coding change: c.1838A>G on transcript NM_017654.4 (MANE Select); coding-DNA position 1838, A replaced by G.
Protein change: p.Glu613Gly; replaces glutamic acid 613 with glycine.
Molecular consequence: missense variant.
Genome position (GRCh38, 1-based): chr7:93,104,260, T>C on the plus strand (A>G on the coding strand, the complement: SAMD9 is on the minus strand). VCF-style: chr7-93104260-T-C. GRCh37 (hg19) VCF-style: chr7-92733573-T-C.
Other names: c.1838A>G, p.Glu613Gly (NM_001193307.2); short protein forms E613G.
Identifiers: ClinVar variation 3371129 (VCV003371129.4).
Genomic context (GRCh38, chr7:93,104,260, plus strand): 5'-GGCAAAAGCCTTTTTGAAGATTGAGTCACAGATTTTAGTTTAAGAATAGTGCCATTGATC[T>C]CTTCAAGGCTTAAAGCAGAAATACATTGGCTTGAAATTTCATCTTGGTGTTTTATTAATC-3'
Protein context (NP_060124.2, residues 603-623): SQCISALSLE[Glu613Gly]INGTILKLKS

ClinVar aggregate classification (germline): Uncertain significance. Review status: criteria provided, multiple submitters, no conflicts (2 of 4 stars). 3 submissions from 3 submitters: Uncertain significance (3). Last evaluated 2024-10-05.

Conditions:
Inborn genetic diseases. Identifiers: MedGen C0950123, MeSH D030342.

gnomAD v4.1: 6 of 1,612,636 alleles (0.00037%); highest among the groups gnomAD compares: African/African-American, 0.0067%; no homozygotes.

Submissions (3):

Ambry Genetics
Classification: Uncertain significance for Inborn genetic diseases. Last evaluated: 2024-10-05. Review status: criteria provided, single submitter. Criteria: Ambry Variant Classification Scheme 2023. Collection method: clinical testing. Allele origin: germline.
Comment: The p.E613G variant (also known as c.1838A>G), located in coding exon 1 of the SAMD9 gene, results from an A to G substitution at nucleotide position 1838. The glutamic acid at codon 613 is replaced by glycine, an amino acid with similar properties. This amino acid position is conserved. In addition, this alteration is predicted to be tolerated by in silico analysis. Based on the available evidence, the clinical significance of this variant remains unclear.

Labcorp Genetics (formerly Invitae), Labcorp
Classification: Uncertain significance. Last evaluated: 2024-09-20. Review status: criteria provided, single submitter. Criteria: Invitae Variant Classification Sherloc (09022015). Collection method: clinical testing. Allele origin: germline.
Comment: This sequence change replaces glutamic acid, which is acidic and polar, with glycine, which is neutral and non-polar, at codon 613 of the SAMD9 protein (p.Glu613Gly). This variant is present in population databases (rs779236948, gnomAD 0.01%). This variant has not been reported in the literature in individuals affected with SAMD9-related conditions. Invitae Evidence Modeling of protein sequence and biophysical properties (such as structural, functional, and spatial information, amino acid conservation, physicochemical variation, residue mobility, and thermodynamic stability) indicates that this missense variant is not expected to disrupt SAMD9 protein function with a negative predictive value of 95%. In summary, the available evidence is currently insufficient to determine the role of this variant in disease. Therefore, it has been classified as a Variant of Uncertain Significance.

GeneDx
Classification: Uncertain significance. Last evaluated: 2024-03-18. Review status: criteria provided, single submitter. Criteria: GeneDx Variant Classification Process June 2021. Collection method: clinical testing. Allele origin: germline. Affected: yes.
Comment: Not observed at significant frequency in large population cohorts (gnomAD); In silico analysis supports that this missense variant does not alter protein structure/function; Has not been previously published as pathogenic or benign to our knowledge